The following is an entry in ClinVar:

NM_012293.3(PXDN):c.1739C>A (p.Thr580Asn)

Gene: PXDN (peroxidasin; minus strand). Cytogenetic location: 2p25.3.
Variant type: single nucleotide variant.
Coding change: c.1739C>A on transcript NM_012293.3 (MANE Select); coding-DNA position 1739, C replaced by A.
Protein change: p.Thr580Asn; replaces threonine 580 with asparagine.
Molecular consequence: missense variant.
Genome position (GRCh38, 1-based): chr2:1,660,979, G>T on the plus strand (C>A on the coding strand, the complement: PXDN is on the minus strand). VCF-style: chr2-1660979-G-T. GRCh37 (hg19) VCF-style: chr2-1664751-G-T.
Other names: short protein forms T580N.
Identifiers: ClinVar variation 2037725 (VCV002037725.4), dbSNP rs780047090, ClinGen allele CA1513218.
Genomic context (GRCh38, chr2:1,660,979, plus strand): 5'-ATGGTGTTCCGGGCCACACACTCATAGCGACCTGCGTCTGCAGGGCCAACGTCATTGATG[G>T]TCAAGAATCCTTCAGGGCTGATGTGAAATTTTCCACTTTCTGTCACCTGAACCCCATCCT-3'
Protein context (NP_036425.1, residues 570-590): KFHISPEGFL[Thr580Asn]INDVGPADAG

ClinVar aggregate classification (germline): Uncertain significance (1 of 4 stars; one submission).

Conditions:
Anterior segment dysgenesis 7 (ASGD7). Also called: Anterior segment dysgenesis 7, with sclerocornea; SCLEROCORNEA WITH OTHER OCULAR ANOMALIES. Identifiers: Orphanet 289499, MedGen C3151617, MONDO:0010015, OMIM 269400.

Allele frequency attached by ClinVar (database versions not stated): gnomAD 0.00001; TOPMed 0.00001; ExAC 0.00002.
gnomAD v4.1: 9 of 1,613,884 alleles (0.00056%); highest among the groups gnomAD compares: Admixed American, 0.0083%; no homozygotes.

Submission:

Labcorp Genetics (formerly Invitae), Labcorp
Classification: Uncertain significance for Anterior segment dysgenesis 7. Last evaluated: 2025-11-17. Review status: criteria provided, single submitter. Criteria: Invitae Variant Classification Sherloc (09022015). Collection method: clinical testing. Allele origin: germline.
Comment: This sequence change replaces threonine, which is neutral and polar, with asparagine, which is neutral and polar, at codon 580 of the PXDN protein (p.Thr580Asn). This variant is present in population databases (rs780047090, gnomAD 0.003%). This variant has not been reported in the literature in individuals affected with PXDN-related conditions. ClinVar contains an entry for this variant (Variation ID: 2037725). Invitae Evidence Modeling of protein sequence and biophysical properties (such as structural, functional, and spatial information, amino acid conservation, physicochemical variation, residue mobility, and thermodynamic stability) indicates that this missense variant is not expected to disrupt PXDN protein function with a negative predictive value of 80%. In summary, the available evidence is currently insufficient to determine the role of this variant in disease. Therefore, it has been classified as a Variant of Uncertain Significance.